The following is an entry in ClinVar:

ClinVar aggregate classification (germline): Pathogenic (1 of 4 stars; one submission).

Submission:

Labcorp Genetics (formerly Invitae), Labcorp
Classification: Pathogenic. Last evaluated: 2021-12-15. Review status: criteria provided, single submitter. Criteria: Invitae Variant Classification Sherloc (09022015). Collection method: clinical testing. Allele origin: germline.
Comment: For these reasons, this variant has been classified as Pathogenic. This variant has not been reported in the literature in individuals affected with TONSL-related conditions. This variant is a gross deletion of the genomic region encompassing exon(s) 4-7 of the TONSL gene. This deletion is out-of-frame, and is expected to create a premature termination codon and result in an absent or disrupted protein product. Loss-of-function variants in TONSL are known to be pathogenic (PMID: 30773277).

Literature cited by the submitters: PubMed 30773277.

NC_000008.10:g.(?_145666498)_(145668740_?)del

Gene: TONSL (tonsoku like, DNA repair protein; minus strand). Cytogenetic location: 8q24.3.
Variant type: Deletion.
Identifiers: ClinVar variation 1456359 (VCV001456359.2).